The following is an entry in ClinVar:

NM_000535.7(PMS2):c.2109G>A (p.Thr703=)

Gene: PMS2 (PMS1 homolog 2, mismatch repair system component; minus strand). Cytogenetic location: 7p22.1.
Variant type: single nucleotide variant.
Coding change: c.2109G>A on transcript NM_000535.7 (MANE Select); coding-DNA position 2109, G replaced by A.
Protein change: p.Thr703=; no amino-acid change (threonine 703 retained).
Molecular consequence: synonymous variant. On other transcripts: non-coding transcript variant (1).
Genome position (GRCh38, 1-based): chr7:5,982,889, C>T on the plus strand (G>A on the coding strand, the complement: PMS2 is on the minus strand). VCF-style: chr7-5982889-C-T. GRCh37 (hg19) VCF-style: chr7-6022520-C-T.
Other names: c.1704G>A, p.Thr568= (NM_001322003.2, NM_001322004.2, NM_001322005.2 and 1 more transcripts); c.1953G>A, p.Thr651= (NM_001322006.2); c.1791G>A, p.Thr597= (NM_001322007.2, NM_001322008.2); c.1548G>A, p.Thr516= (NM_001322010.2); c.1176G>A, p.Thr392= (NM_001322011.2, NM_001322012.2); c.1536G>A, p.Thr512= (NM_001322013.2); c.2109G>A, p.Thr703= (NM_001322014.2); c.1800G>A, p.Thr600= (NM_001322015.2).
Identifiers: ClinVar variation 186614 (VCV000186614.26), dbSNP rs775355718, ClinGen allele CA010838.

ClinVar aggregate classification (germline): Benign/Likely benign. Review status: criteria provided, multiple submitters, no conflicts (2 of 4 stars). 10 submissions from 10 submitters: Benign (1); Likely benign (8). 1 of the submissions does not count toward it. Last evaluated 2026-02-02.

Conditions:
Hereditary cancer-predisposing syndrome. Also called: Neoplastic Syndromes, Hereditary; Tumor predisposition; Hereditary Cancer Syndrome; Hereditary neoplastic syndrome. Identifiers: Orphanet 140162, MedGen C0027672, MeSH D009386, MONDO:0015356.
Hereditary nonpolyposis colorectal neoplasms. Identifiers: MedGen C0009405, MeSH D003123.
Lynch syndrome 4 (LYNCH4). Also called: Colorectal cancer, hereditary nonpolyposis, type 4; Hereditary non-polyposis colorectal cancer, type 4. Identifiers: Orphanet 144, MedGen C1838333, MONDO:0013699, OMIM 614337. Disease mechanism: loss of function.

Allele frequency attached by ClinVar (database versions not stated): gnomAD 0.00001; TOPMed 0.00002.
gnomAD v4.1: 12 of 1,603,380 alleles (0.00075%); highest among the groups gnomAD compares: African/African-American, 0.0067%; no homozygotes.

Submissions (10):

Labcorp Genetics (formerly Invitae), Labcorp
Classification: Likely benign for Hereditary nonpolyposis colorectal neoplasms. Last evaluated: 2026-02-02. Review status: criteria provided, single submitter. Criteria: Invitae Variant Classification Sherloc (09022015). Collection method: clinical testing. Allele origin: germline.

Center for Genomic Medicine, Rigshospitalet, Copenhagen University Hospital
Classification: Likely benign. Last evaluated: 2025-12-29. Review status: criteria provided, single submitter. Criteria: ACMG Guidelines, 2015. Collection method: clinical testing. Allele origin: germline.

Quest Diagnostics Nichols Institute San Juan Capistrano
Classification: Likely benign. Last evaluated: 2025-05-23. Review status: criteria provided, single submitter. Criteria: Quest Diagnostics criteria. Collection method: clinical testing. Allele origin: unknown.

Myriad Genetics, Inc.
Classification: Benign for Lynch syndrome 4. Last evaluated: 2025-02-03. Review status: criteria provided, single submitter. Criteria: Myriad Autosomal Dominant, Autosomal Recessive and X-Linked Classification Criteria (2023). Collection method: clinical testing. Allele origin: unknown.
Comment: This variant is considered benign. This variant is a silent/synonymous amino acid change and it is not expected to impact splicing.

Color Diagnostics, LLC DBA Color Health
Classification: Likely benign for Hereditary cancer-predisposing syndrome. Last evaluated: 2022-02-16. Review status: criteria provided, single submitter. Criteria: ACMG Guidelines, 2015. Collection method: clinical testing. Allele origin: germline.

Sema4
Classification: Likely benign for Hereditary cancer-predisposing syndrome. Last evaluated: 2021-11-30. Review status: criteria provided, single submitter. Criteria: Sema4 Curation Guidelines. Collection method: curation. Allele origin: germline.

Women's Health and Genetics/Laboratory Corporation of America, LabCorp
Classification: Likely benign. Last evaluated: 2019-08-29. Review status: criteria provided, single submitter. Criteria: LabCorp Variant Classification Summary - May 2015. Collection method: clinical testing. Allele origin: germline.

GeneDx
Classification: Likely benign. Last evaluated: 2016-05-23. Review status: criteria provided, single submitter. Criteria: GeneDx Variant Classification (06012015). Collection method: clinical testing. Allele origin: germline. Affected: yes.
Comment: This variant is considered likely benign or benign based on one or more of the following criteria: it is a conservative change, it occurs at a poorly conserved position in the protein, it is predicted to be benign by multiple in silico algorithms, and/or has population frequency not consistent with disease.

Ambry Genetics
Classification: Likely benign for Hereditary cancer-predisposing syndrome. Last evaluated: 2014-10-03. Review status: criteria provided, single submitter. Criteria: Ambry Variant Classification Scheme 2023. Collection method: clinical testing. Allele origin: germline.

Genetic Services Laboratory, University of Chicago
Classification: Likely benign. Last evaluated: 2022-05-12. Review status: no assertion criteria provided. Collection method: clinical testing. Allele origin: germline. Affected: no. Not counted in ClinVar's aggregate classification.

Literature cited by the submitters: PubMed 32827758 (cited by Quest Diagnostics Nichols Institute San Juan Capistrano).